The following is an entry in ClinVar:

NM_016151.4(TAOK2):c.1615G>T (p.Ala539Ser)

Gene: TAOK2 (TAO kinase 2; plus strand). Cytogenetic location: 16p11.2.
Variant type: single nucleotide variant.
Coding change: c.1615G>T on transcript NM_016151.4 (MANE Select); coding-DNA position 1615, G replaced by T.
Protein change: p.Ala539Ser; replaces alanine 539 with serine.
Molecular consequence: missense variant.
Genome position (GRCh38, 1-based): chr16:29,985,405, G>T. VCF-style: chr16-29985405-G-T. GRCh37 (hg19) VCF-style: chr16-29996726-G-T.
Other names: c.1615G>T, p.Ala539Ser (NM_001252043.2, NM_004783.4); short protein forms A539S.
Identifiers: ClinVar variation 1367998 (VCV001367998.9), dbSNP rs564533648, ClinGen allele CA7998179.

ClinVar aggregate classification (germline): Uncertain significance (1 of 4 stars; one submission).

Allele frequency attached by ClinVar (database versions not stated): TOPMed 0.00001; gnomAD exomes 0.00004 and 0.00008; gnomAD 0.00005; ExAC 0.00010; 1000 Genomes Project 30x 0.00078; 1000 Genomes Project 0.00100.
gnomAD v4.1: 69 of 1,609,016 alleles (0.0043%); highest among the groups gnomAD compares: South Asian, 0.074%; 3 homozygotes.

Submission:

Labcorp Genetics (formerly Invitae), Labcorp
Classification: Uncertain significance. Last evaluated: 2024-12-16. Review status: criteria provided, single submitter. Criteria: Invitae Variant Classification Sherloc (09022015). Collection method: clinical testing. Allele origin: germline.
Comment: This sequence change replaces alanine, which is neutral and non-polar, with serine, which is neutral and polar, at codon 539 of the TAOK2 protein (p.Ala539Ser). This variant is present in population databases (rs564533648, gnomAD 0.06%), and has an allele count higher than expected for a pathogenic variant. This variant has not been reported in the literature in individuals affected with TAOK2-related conditions. ClinVar contains an entry for this variant (Variation ID: 1367998). An algorithm developed to predict the effect of missense changes on protein structure and function (PolyPhen-2) suggests that this variant is likely to be tolerated. In summary, the available evidence is currently insufficient to determine the role of this variant in disease. Therefore, it has been classified as a Variant of Uncertain Significance.